The following is an entry in ClinVar:

NM_002224.4(ITPR3):c.578C>A (p.Pro193His)

Gene: ITPR3 (inositol 1,4,5-trisphosphate receptor type 3; plus strand). Cytogenetic location: 6p21.31.
Variant type: single nucleotide variant.
Coding change: c.578C>A on transcript NM_002224.4 (MANE Select); coding-DNA position 578, C replaced by A.
Protein change: p.Pro193His; replaces proline 193 with histidine.
Molecular consequence: missense variant.
Genome position (GRCh38, 1-based): chr6:33,659,070, C>A. VCF-style: chr6-33659070-C-A. GRCh37 (hg19) VCF-style: chr6-33626847-C-A.
Other names: short protein forms P193H.
Identifiers: ClinVar variation 3898785 (VCV003898785.1).

ClinVar aggregate classification (germline): Uncertain significance (1 of 4 stars; one submission).

gnomAD v4.1: 1 of 1,614,096 alleles (0.000062%); highest among the groups gnomAD compares: Non-Finnish European, 0.000085%; no homozygotes.

Submission:

GeneDx
Classification: Uncertain significance. Last evaluated: 2024-11-12. Review status: criteria provided, single submitter. Criteria: GeneDx Variant Classification Process June 2021. Collection method: clinical testing. Allele origin: germline. Affected: yes.
Comment: Not observed at significant frequency in large population cohorts (gnomAD); In silico analysis supports that this missense variant has a deleterious effect on protein structure/function; Has not been previously published as pathogenic or benign to our knowledge